The following is an entry in ClinVar:

NM_003041.4(SLC5A2):c.410G>A (p.Arg137His)

Gene: SLC5A2 (solute carrier family 5 member 2; plus strand). Cytogenetic location: 16p11.2.
Variant type: single nucleotide variant.
Coding change: c.410G>A on transcript NM_003041.4 (MANE Select); coding-DNA position 410, G replaced by A.
Protein change: p.Arg137His; replaces arginine 137 with histidine.
Molecular consequence: missense variant. On other transcripts: non-coding transcript variant (1).
Genome position (GRCh38, 1-based): chr16:31,485,835, G>A. VCF-style: chr16-31485835-G-A. GRCh37 (hg19) VCF-style: chr16-31497156-G-A.
Other names: short protein forms R137H.
Identifiers: ClinVar variation 4857242 (VCV004857242.1).

ClinVar aggregate classification (germline): Likely pathogenic (1 of 4 stars; one submission).

Conditions:
Familial renal glucosuria (GLYS). Also called: RENAL GLUCOSURIA, AUTOSOMAL DOMINANT; Familial renal glycosuria. Identifiers: Orphanet 69076, MedGen C3245525, MONDO:0009297, OMIM 233100.

Submission:

MVZ Medizinische Genetik Mainz
Classification: Likely pathogenic for Familial renal glucosuria. Last evaluated: 2024-03-04. Review status: criteria provided, single submitter. Criteria: UK Practice Guidelines For Variant Classification V4 01 2020. Collection method: clinical testing. Allele origin: germline. Inheritance: Autosomal recessive inheritance. Affected: yes. Observed: 1 variant allele.
Comment: ACMG Criteria: PM3,PM5,PP3_MOD,PS4_SUP,PM2_SUP,PP4